The following is an entry in ClinVar:

ClinVar aggregate classification (germline): Uncertain significance. Review status: criteria provided, multiple submitters, no conflicts (2 of 4 stars). 2 submissions from 2 submitters: Uncertain significance (2). Last evaluated 2022-02-28.

Conditions:
Autosomal recessive distal spinal muscular atrophy 1. Also called: NEURONOPATHY, SEVERE INFANTILE AXONAL, WITH RESPIRATORY FAILURE; SEVERE INFANTILE AXONAL NEUROPATHY WITH RESPIRATORY FAILURE; NEURONOPATHY, DISTAL HEREDITARY MOTOR, HARDING TYPE VI; NEUROPATHY, DISTAL HEREDITARY MOTOR, AUTOSOMAL RECESSIVE 1; SPINAL MUSCULAR ATROPHY, DIAPHRAGMATIC; Spinal muscular atrophy with respiratory distress 1. Identifiers: Orphanet 98920, MedGen C1858517, MONDO:0011436, OMIM 604320.
Charcot-Marie-Tooth disease axonal type 2S. Also called: CHARCOT-MARIE-TOOTH NEUROPATHY, TYPE 2S; CHARCOT-MARIE-TOOTH DISEASE, AXONAL, AUTOSOMAL RECESSIVE, TYPE 2S. Identifiers: Orphanet 443073, MedGen C4015349, MONDO:0014511, OMIM 616155.
Inborn genetic diseases. Identifiers: MedGen C0950123, MeSH D030342.

Allele frequency attached by ClinVar (database versions not stated): gnomAD exomes below 0.00001 and 0.00001.
gnomAD v4.1: 4 of 1,614,146 alleles (0.00025%); highest among the groups gnomAD compares: South Asian, 0.0033%; no homozygotes.

Submissions (2):

Ambry Genetics
Classification: Uncertain significance for Inborn genetic diseases. Last evaluated: 2022-02-28. Review status: criteria provided, single submitter. Criteria: Ambry Variant Classification Scheme 2023. Collection method: clinical testing. Allele origin: germline.
Comment: The p.S53F variant (also known as c.158C>T), located in coding exon 2 of the IGHMBP2 gene, results from a C to T substitution at nucleotide position 158. The serine at codon 53 is replaced by phenylalanine, an amino acid with highly dissimilar properties. This amino acid position is conserved. In addition, the in silico prediction for this alteration is inconclusive. Since supporting evidence is limited at this time, the clinical significance of this alteration remains unclear.

Labcorp Genetics (formerly Invitae), Labcorp
Classification: Uncertain significance for Autosomal recessive distal spinal muscular atrophy 1; Charcot-Marie-Tooth disease axonal type 2S. Last evaluated: 2019-04-11. Review status: criteria provided, single submitter. Criteria: Invitae Variant Classification Sherloc (09022015). Collection method: clinical testing. Allele origin: germline.
Comment: This variant is not present in population databases (ExAC no frequency). This variant has not been reported in the literature in individuals with IGHMBP2-related conditions. Algorithms developed to predict the effect of missense changes on protein structure and function are either unavailable or do not agree on the potential impact of this missense change (SIFT: "Tolerated"; PolyPhen-2: "Possibly Damaging"; Align-GVGD: "Class C0"). In summary, the available evidence is currently insufficient to determine the role of this variant in disease. Therefore, it has been classified as a Variant of Uncertain Significance. This sequence change replaces serine with phenylalanine at codon 53 of the IGHMBP2 protein (p.Ser53Phe). The serine residue is weakly conserved and there is a large physicochemical difference between serine and phenylalanine.

NM_002180.3(IGHMBP2):c.158C>T (p.Ser53Phe)

Gene: IGHMBP2 (immunoglobulin mu DNA binding protein 2; plus strand). Cytogenetic location: 11q13.3.
Variant type: single nucleotide variant.
Coding change: c.158C>T on transcript NM_002180.3 (MANE Select); coding-DNA position 158, C replaced by T.
Protein change: p.Ser53Phe; replaces serine 53 with phenylalanine.
Molecular consequence: missense variant.
Genome position (GRCh38, 1-based): chr11:68,906,140, C>T. VCF-style: chr11-68906140-C-T. GRCh37 (hg19) VCF-style: chr11-68673608-C-T.
Other names: short protein forms S53F.
Identifiers: ClinVar variation 948823 (VCV000948823.12), dbSNP rs1178878248, ClinGen allele CA381642336.
Genomic context (GRCh38, chr11:68,906,140, plus strand): 5'-AGAACATCTCTCTGAAAGAGCTCCAGAGCCGAGGCGTGTGTTTGCTGAAGCTGCAGGTAT[C>T]CAGCCAGCGCACTGGGCTGTACGGACGGCTGCTGGTCACCTTTGAGCCCAGGCGATACGG-3'
Protein context (NP_002171.2, residues 43-63): RGVCLLKLQV[Ser53Phe]SQRTGLYGRL